The following is an entry in ClinVar:

ClinVar aggregate classification (germline): Uncertain significance (1 of 4 stars; one submission).

Submission:

Ambry Genetics
Classification: Uncertain significance. Last evaluated: 2024-10-21. Review status: criteria provided, single submitter. Criteria: Ambry Variant Classification Scheme 2023. Collection method: clinical testing. Allele origin: germline.
Comment: The p.L107V variant (also known as c.319C>G), located in coding exon 1 of the GALNT12 gene, results from a C to G substitution at nucleotide position 319. The leucine at codon 107 is replaced by valine, an amino acid with highly similar properties. This amino acid position is conserved. In addition, this alteration is predicted to be tolerated by in silico analysis. Based on the available evidence, the clinical significance of this variant remains unclear.

NM_024642.5(GALNT12):c.319C>G (p.Leu107Val)

Gene: GALNT12 (polypeptide N-acetylgalactosaminyltransferase 12; plus strand). Cytogenetic location: 9q22.33.
Variant type: single nucleotide variant.
Coding change: c.319C>G on transcript NM_024642.5 (MANE Select); coding-DNA position 319, C replaced by G.
Protein change: p.Leu107Val; replaces leucine 107 with valine.
Molecular consequence: missense variant.
Genome position (GRCh38, 1-based): chr9:98,808,017, C>G. VCF-style: chr9-98808017-C-G. GRCh37 (hg19) VCF-style: chr9-101570299-C-G.
Other names: short protein forms L107V.
Identifiers: ClinVar variation 3518510 (VCV003518510.1).
Genomic context (GRCh38, chr9:98,808,017, plus strand): 5'-CAGGGCGAGGAGCTGCGGCTGCAGGAGGAGAGCGTGCGGCTGCACCAGATTAACATCTAC[C>G]TCAGCGACCGCATCTCACTGCACCGCCGCCTGCCCGAGCGCTGGAACCCGCTGTGAGTGC-3'
Protein context (NP_078918.3, residues 97-117): SVRLHQINIY[Leu107Val]SDRISLHRRL